The following is an entry in ClinVar:

ClinVar aggregate classification (germline): Uncertain significance (1 of 4 stars; one submission).

gnomAD v4.1: 11 of 1,613,992 alleles (0.00068%); highest among the groups gnomAD compares: Middle Eastern, 0.15%; no homozygotes.

Submission:

GeneDx
Classification: Uncertain significance. Last evaluated: 2023-03-23. Review status: criteria provided, single submitter. Criteria: GeneDx Variant Classification Process June 2021. Collection method: clinical testing. Allele origin: germline. Affected: yes.
Comment: Not observed at significant frequency in large population cohorts (gnomAD); In silico analysis supports that this missense variant has a deleterious effect on protein structure/function; Has not been previously published as pathogenic or benign to our knowledge

NM_001291303.3(FAT4):c.6343G>A (p.Glu2115Lys)

Gene: FAT4 (FAT atypical cadherin 4; plus strand). Cytogenetic location: 4q28.1.
Variant type: single nucleotide variant.
Coding change: c.6343G>A on transcript NM_001291303.3 (MANE Select); coding-DNA position 6343, G replaced by A.
Protein change: p.Glu2115Lys; replaces glutamic acid 2115 with lysine.
Molecular consequence: missense variant.
Genome position (GRCh38, 1-based): chr4:125,415,306, G>A. VCF-style: chr4-125415306-G-A. GRCh37 (hg19) VCF-style: chr4-126336461-G-A.
Other names: c.6343G>A, p.Glu2115Lys (NM_001291285.3, NM_024582.6); short protein forms E2115K.
Identifiers: ClinVar variation 2446154 (VCV002446154.1), dbSNP rs1354059900, ClinGen allele CA358128988.